The following continues an entry in ClinVar:

NM_024675.4(PALB2):c.3428T>A (p.Leu1143His)

Gene: PALB2. ClinVar aggregate classification (germline): Conflicting classifications of pathogenicity. Uncertain significance (9); Benign (2); Likely benign (9).

Submissions 15 to 25 of 25:

Genetic Services Laboratory, University of Chicago
Classification: Uncertain significance. Last evaluated: 2021-03-15. Review status: criteria provided, single submitter. Criteria: ACMG Guidelines, 2015. Collection method: clinical testing. Allele origin: germline. Affected: no.
Comment: DNA sequence analysis of the PALB2 gene demonstrated a sequence change, c.3428T>A, in exon 13 that results in an amino acid change, p.Leu1143His. This sequence change has been described in gnomAD with a low population frequency of 0.016% (dbSNP rs62625284). The p.Leu1143His change affects a moderately conserved amino acid residue located in a domain of the PALB2 protein that is \ known to be functional. In-silico pathogenicity prediction tools (SIFT, PolyPhen2, Align GVGD, REVEL) provide contradictory results for the p.Leu1143His substitution. This sequence change has been observed in multiple individuals with breast, ovarian, or pancreatic cancer, but has also been observed in normal controls (PMID: 27878467; 25479140; 26315354; 26283626; 21618343). Another variant affecting the same codon, p.Leu1143Pro has been reported in an individual with bilateral breast cancer. Functional studies demonstrated that the p.Leu143Pro disrupted the PALB2-RAD51C-BRCA2 complex indicating the functional importance of the Leu1143 residue (PMID:24141787, PMID:21618343). Due to the lack of sufficient evidences, the clinical significance of the p.Leu1143His change remains unknown at this time

Ambry Genetics
Classification: Likely benign for Hereditary cancer-predisposing syndrome. Last evaluated: 2018-12-18. Review status: criteria provided, single submitter. Criteria: Ambry Variant Classification Scheme 2023. Collection method: clinical testing. Allele origin: germline.

Fulgent Genetics
Classification: Uncertain significance for Familial cancer of breast; Fanconi anemia complementation group N; Pancreatic cancer, susceptibility to, 3. Last evaluated: 2018-10-31. Review status: criteria provided, single submitter. Criteria: ACMG Guidelines, 2015. Collection method: clinical testing. Allele origin: unknown.

Mendelics
Classification: Uncertain significance for Hereditary cancer-predisposing syndrome. Last evaluated: 2018-07-02. Review status: criteria provided, single submitter. Criteria: Mendelics Assertion Criteria 2017. Collection method: clinical testing. Allele origin: unknown.

Color Diagnostics, LLC DBA Color Health
Classification: Likely benign for Hereditary cancer-predisposing syndrome. Last evaluated: 2016-05-06. Review status: criteria provided, single submitter. Criteria: ACMG Guidelines, 2015. Collection method: clinical testing. Allele origin: germline.

Cancer Genetics Laboratory, Peter MacCallum Cancer Centre
Classification: Uncertain significance for Familial cancer of breast. Last evaluated: 2015-06-01. Review status: criteria provided, single submitter. Criteria: Thompson et al. (Breast Cancer Res. 2015). Collection method: case-control. Allele origin: germline. Affected: yes. Observed: 2 variant alleles, 2 heterozygotes.

Center of Medical Genetics and Primary Health Care
Classification: Uncertain significance for Bilateral breast cancer. Last evaluated: 2020-04-08. Review status: no assertion criteria provided. Collection method: research. Allele origin: germline. Affected: yes. Observed: 1 heterozygote. Not counted in ClinVar's aggregate classification.
Comment: ACMG Guidelines 2015 criteria This variant is in exon 8 of the PALB2 gene, which is involved in repairing double-strand DNA breaks in WD40 repeat-like (V872- 1185 aa) domain, which serves as platforms for the assembly of protein complexes (e.g., BRCA1 / RAD51) or mediators of transient interplay among other proteins. This variant is in a hotspot of 12 pathogenic nonsense and frameshift variants, including one mutation (i.e., c.3426dupA; p.Leu1143Thrfs) at the same position (Source ClinVar) (PM1 Pathogenic Moderate). It has been reported in several cancers including breast cancers (PMID: 27878467; 25479140; 26315354; 26283626; 21618343). Furthermore, it has been experimentally shown that this missense change modestly reduces DNA double-stranded break-induced homologous recombination, affects the PALB2 protein interaction with RAD51C, XRCC3 and BRCA2 proteins and moderately increases cellular sensitivity to ionizing radiation (PMID: 24141787). 6 pathogenic predictions from EIGEN, FATHMM-MKL, M-CAP, MutationAssessor, MutationTaster and SIFT vs 5 benign predictions from DANN, DEOGEN2, MVP, PrimateAI and REVEL support its deleterious effect (PP3 Pathogenic Supporting). In summary, the available evidence is currently insufficient to determine the role of this variant in the disease. Therefore, it has been classified as a Variant of Uncertain Significance.

Counsyl
Classification: Uncertain significance for Familial cancer of breast. Last evaluated: 2015-11-26. Review status: no assertion criteria provided. Collection method: clinical testing. Allele origin: unknown. Not counted in ClinVar's aggregate classification.

Clinical Genetics DNA and cytogenetics Diagnostics Lab, Erasmus MC, Erasmus Medical Center
Classification: Uncertain significance. Review status: no assertion criteria provided. Collection method: clinical testing. Allele origin: germline. Affected: yes. Study: VKGL Data-share Consensus. Not counted in ClinVar's aggregate classification.

Joint Genome Diagnostic Labs from Nijmegen and Maastricht, Radboudumc and MUMC+
Classification: Uncertain significance. Review status: no assertion criteria provided. Collection method: clinical testing. Allele origin: germline. Affected: yes. Study: VKGL Data-share Consensus. Not counted in ClinVar's aggregate classification.

Laboratory of Diagnostic Genome Analysis, Leiden University Medical Center (LUMC)
Classification: Uncertain significance. Review status: no assertion criteria provided. Collection method: clinical testing. Allele origin: germline. Affected: yes. Study: VKGL Data-share Consensus. Not counted in ClinVar's aggregate classification.

Literature cited by the submitters: PubMed 22692731 (cited by 6 submitters); PubMed 26283626 (cited by 5 submitters); PubMed 26315354 (cited by 5 submitters); PubMed 26564480 (cited by 5 submitters); PubMed 20852946 (cited by 6 submitters); PubMed 30306255 (cited by Women's Health and Genetics/Laboratory Corporation of America, LabCorp and Quest Diagnostics Nichols Institute San Juan Capistrano); PubMed 31206626 (cited by 3 submitters); PubMed 31512090 (cited by 3 submitters); PubMed 32658311 (cited by 4 submitters); PubMed 33471991 (cited by 4 submitters); PubMed 33558524 (cited by 3 submitters); PubMed 33195396 (cited by Women's Health and Genetics/Laboratory Corporation of America, LabCorp and Quest Diagnostics Nichols Institute San Juan Capistrano); PubMed 33630411 (cited by Women's Health and Genetics/Laboratory Corporation of America, LabCorp and Quest Diagnostics Nichols Institute San Juan Capistrano); PubMed 33980423 (cited by 3 submitters); PubMed 36605468 (cited by Women's Health and Genetics/Laboratory Corporation of America, LabCorp and Quest Diagnostics Nichols Institute San Juan Capistrano); PubMed 40209283 (cited by Women's Health and Genetics/Laboratory Corporation of America, LabCorp); PubMed 25479140 (cited by 5 submitters); PubMed 25186627 (cited by 5 submitters); PubMed 27878467 (cited by 3 submitters); PubMed 34478935 (cited by Quest Diagnostics Nichols Institute San Juan Capistrano); PubMed 33320972 (cited by Quest Diagnostics Nichols Institute San Juan Capistrano); PubMed 24448499 (cited by Quest Diagnostics Nichols Institute San Juan Capistrano and Counsyl); PubMed 34426522 (cited by Quest Diagnostics Nichols Institute San Juan Capistrano); PubMed 31757951 (cited by 3 submitters); PubMed 24556926 (cited by 5 submitters); PubMed 26898890 (cited by Quest Diagnostics Nichols Institute San Juan Capistrano); PubMed 28779002 (cited by Quest Diagnostics Nichols Institute San Juan Capistrano and Department of Pathology and Laboratory Medicine, Sinai Health System); PubMed 26315534 (cited by Department of Pathology and Laboratory Medicine, Sinai Health System); PubMed 25085752 (cited by Myriad Genetics, Inc.); PubMed 31451522 (cited by Sema4); PubMed 29522266 (cited by Sema4); PubMed 28944238 (cited by Sema4).